The following is an entry in ClinVar:

ClinVar aggregate classification (germline): Uncertain significance. Review status: criteria provided, multiple submitters, no conflicts (2 of 4 stars). 2 submissions from 2 submitters: Uncertain significance (2). Last evaluated 2024-05-22.

Allele frequency attached by ClinVar (database versions not stated): gnomAD exomes below 0.00001 and 0.00004; ExAC 0.00001; gnomAD 0.00001.

Submissions (2):

Labcorp Genetics (formerly Invitae), Labcorp
Classification: Uncertain significance. Last evaluated: 2024-05-22. Review status: criteria provided, single submitter. Criteria: Invitae Variant Classification Sherloc (09022015). Collection method: clinical testing. Allele origin: germline.
Comment: This sequence change replaces glycine, which is neutral and non-polar, with arginine, which is basic and polar, at codon 21 of the ALPK3 protein (p.Gly21Arg). This variant is present in population databases (rs751652599, gnomAD 0.004%). This variant has not been reported in the literature in individuals affected with ALPK3-related conditions. ClinVar contains an entry for this variant (Variation ID: 1488610). An algorithm developed to predict the effect of missense changes on protein structure and function (PolyPhen-2) suggests that this variant is likely to be disruptive. In summary, the available evidence is currently insufficient to determine the role of this variant in disease. Therefore, it has been classified as a Variant of Uncertain Significance.

GeneDx
Classification: Uncertain significance. Last evaluated: 2022-01-26. Review status: criteria provided, single submitter. Criteria: GeneDx Variant Classification Process June 2021. Collection method: clinical testing. Allele origin: germline. Affected: yes.
Comment: Not observed at significant frequency in large population cohorts (gnomAD); In silico analysis supports that this missense variant does not alter protein structure/function; Has not been previously published as pathogenic or benign to our knowledge

NC_000015.10:g.84816907G>C

Gene: ALPK3 (alpha kinase 3; plus strand). Cytogenetic location: 15q25.3.
Variant type: single nucleotide variant.
Genome position: GRCh38 VCF-style: chr15-84816907-G-C. GRCh37 (hg19) VCF-style: chr15-85360138-G-C.
Identifiers: ClinVar variation 1488610 (VCV001488610.10), dbSNP rs751652599, ClinGen allele CA7708779.